The following is an entry in ClinVar:

ClinVar aggregate classification (germline): Likely benign. Review status: criteria provided, single submitter (1 of 4 stars). 2 submissions from 2 submitters: Likely benign (1). 1 of the submissions does not count toward it. Last evaluated 2019-11-14.

Conditions:
FKTN-related disorder. Also called: FKTN-related condition; FKTN-related disorders.

Allele frequency attached by ClinVar (database versions not stated): gnomAD exomes 0.00024 and 0.00062; ExAC 0.00083; gnomAD 0.00270 and 0.00277; TOPMed 0.00278; ESP Exome Variant Server 0.00292; 1000 Genomes Project 0.00359; 1000 Genomes Project 30x 0.00375.
gnomAD v4.1: 749 of 1,535,158 alleles (0.049%); highest among the groups gnomAD compares: African/African-American, 0.93%; 6 homozygotes.

Submissions (2):

GeneDx
Classification: Likely benign. Last evaluated: 2019-11-14. Review status: criteria provided, single submitter. Criteria: GeneDx Variant Classification Process June 2021. Collection method: clinical testing. Allele origin: germline. Affected: yes.

PreventionGenetics, part of Exact Sciences
Classification: Benign for FKTN-related condition. Last evaluated: 2019-06-06. Review status: no assertion criteria provided. Collection method: clinical testing. Allele origin: germline. Not counted in ClinVar's aggregate classification.
Comment: This variant is classified as benign based on ACMG/AMP sequence variant interpretation guidelines (Richards et al. 2015 PMID: 25741868, with internal and published modifications).

NM_001079802.2(FKTN):c.647+36G>A

Gene: FKTN (fukutin; plus strand). Cytogenetic location: 9q31.2.
Variant type: single nucleotide variant.
Coding change: c.647+36G>A on transcript NM_001079802.2 (MANE Select); 36 bases into the intron after coding-DNA position 647, G replaced by A.
Molecular consequence: intron variant.
Genome position (GRCh38, 1-based): chr9:105,604,528, G>A. VCF-style: chr9-105604528-G-A. GRCh37 (hg19) VCF-style: chr9-108366809-G-A.
Other names: c.647+36G>A (NM_001079802.1, NM_006731.2, NM_001351496.2 and 2 more transcripts); c.251+36G>A (NM_001351502.2, NM_001351499.2, NM_001351500.2 and 1 more transcripts); c.578+36G>A (NM_001351497.2).
Identifiers: ClinVar variation 1186002 (VCV001186002.4), dbSNP rs115199403, ClinGen allele CA5170457.